The following is an entry in ClinVar:

NM_000059.4(BRCA2):c.520del (p.Arg174fs)

Gene: BRCA2 (BRCA2 DNA repair associated; plus strand). Cytogenetic location: 13q13.1.
Variant type: Deletion.
Coding change: c.520del on transcript NM_000059.4 (MANE Select); coding-DNA position 520, one base deleted (C; older notation c.520delC).
Protein change: p.Arg174fs; shifts the reading frame from arginine 174.
Molecular consequence: frameshift variant. On other transcripts: non-coding transcript variant (1).
Genome position (GRCh38, 1-based): chr13:32,326,502, C deleted. VCF-style (leftmost placement, unchanged base first): chr13-32326501-TC-T. GRCh37 (hg19) VCF-style: chr13-32900638-TC-T.
Other names: c.520del, p.Arg174fs (NM_001406719.1, NM_001406720.1, NM_001406721.1 and 1 more transcripts); c.151del, p.Arg51fs (NM_001406722.1); short protein forms R174fs, R51fs.
Identifiers: ClinVar variation 4824554 (VCV004824554.1).

ClinVar aggregate classification (germline): Pathogenic (1 of 4 stars; one submission).

Conditions:
Hereditary cancer-predisposing syndrome. Also called: Neoplastic Syndromes, Hereditary; Hereditary neoplastic syndrome; Tumor predisposition; Hereditary Cancer Syndrome. Identifiers: Orphanet 140162, MedGen C0027672, MeSH D009386, MONDO:0015356.

Submission:

Ambry Genetics
Classification: Pathogenic for Hereditary cancer-predisposing syndrome. Last evaluated: 2026-02-19. Review status: criteria provided, single submitter. Criteria: Ambry Variant Classification Scheme 2023. Collection method: clinical testing. Allele origin: germline.
Comment: The c.520delC pathogenic mutation, located in coding exon 6 of the BRCA2 gene, results from a deletion of one nucleotide at nucleotide position 520, causing a translational frameshift with a predicted alternate stop codon (p.R174Vfs*11). This variant is considered to be rare based on population cohorts in the Genome Aggregation Database (gnomAD). This alteration is expected to result in loss of function by premature protein truncation or nonsense-mediated mRNA decay. As such, this alteration is interpreted as a disease-causing mutation.